The following is an entry in ClinVar:

ClinVar aggregate classification (germline): Likely benign. Review status: criteria provided, multiple submitters, no conflicts (2 of 4 stars). 3 submissions from 3 submitters: Likely benign (2). 1 of the submissions does not count toward it. Last evaluated 2026-01-13.

Conditions:
Glycogen storage disease, type V (GSD5). Also called: McArdle type glycogen storage disease; PYGM DEFICIENCY; MCARDLE DISEASE; MUSCLE GLYCOGEN PHOSPHORYLASE DEFICIENCY; MYOPHOSPHORYLASE DEFICIENCY. Identifiers: Orphanet 368, MedGen C0017924, MONDO:0009293, OMIM 232600.

Allele frequency attached by ClinVar (database versions not stated): TOPMed 0.00012; gnomAD 0.00013 and 0.00015; gnomAD exomes 0.00014 and 0.00037; ExAC 0.00012; ESP Exome Variant Server 0.00023.
gnomAD v4.1: 555 of 1,613,980 alleles (0.034%); highest among the groups gnomAD compares: Non-Finnish European, 0.045%; no homozygotes.

Submissions (3):

Labcorp Genetics (formerly Invitae), Labcorp
Classification: Likely benign for Glycogen storage disease, type V. Last evaluated: 2026-01-13. Review status: criteria provided, single submitter. Criteria: Invitae Variant Classification Sherloc (09022015). Collection method: clinical testing. Allele origin: germline.

GeneDx
Classification: Likely benign. Last evaluated: 2018-02-01. Review status: criteria provided, single submitter. Criteria: GeneDx Variant Classification (06012015). Collection method: clinical testing. Allele origin: germline. Affected: yes.
Comment: This variant is considered likely benign or benign based on one or more of the following criteria: it is a conservative change, it occurs at a poorly conserved position in the protein, it is predicted to be benign by multiple in silico algorithms, and/or has population frequency not consistent with disease.

Natera, Inc.
Classification: Likely benign for Glycogen storage disease V. Last evaluated: 2020-09-16. Review status: no assertion criteria provided. Collection method: clinical testing. Allele origin: germline. Not counted in ClinVar's aggregate classification.

NM_005609.4(PYGM):c.558C>T (p.Tyr186=)

Gene: PYGM (glycogen phosphorylase, muscle associated; minus strand). Cytogenetic location: 11q13.1.
Variant type: single nucleotide variant.
Coding change: c.558C>T on transcript NM_005609.4 (MANE Select); coding-DNA position 558, C replaced by T.
Protein change: p.Tyr186=; no amino-acid change (tyrosine 186 retained).
Molecular consequence: synonymous variant.
Genome position (GRCh38, 1-based): chr11:64,757,881, G>A on the plus strand (C>T on the coding strand, the complement: PYGM is on the minus strand). VCF-style: chr11-64757881-G-A. GRCh37 (hg19) VCF-style: chr11-64525353-G-A.
Other names: c.294C>T, p.Tyr98= (NM_001164716.1).
Identifiers: ClinVar variation 515155 (VCV000515155.12), dbSNP rs144298015, ClinGen allele CA6080205.